The following is an entry in ClinVar:

ClinVar aggregate classification (germline): Benign/Likely benign. Review status: criteria provided, multiple submitters, no conflicts (2 of 4 stars). 2 submissions from 2 submitters: Benign (1); Likely benign (1). Last evaluated 2025-06-16.

Conditions:
CHRDL1-related disorder. Also called: CHRDL1-related condition.

Allele frequency attached by ClinVar (database versions not stated): ESP Exome Variant Server 0.00038; 1000 Genomes Project 30x 0.00042; 1000 Genomes Project 0.00053; TOPMed 0.00056; gnomAD exomes 0.00071 and 0.00102; ExAC 0.00077; gnomAD 0.00085 and 0.00086.
gnomAD v4.1: 857 of 1,206,068 alleles (0.071%); highest among the groups gnomAD compares: Non-Finnish European, 0.052%; 3 homozygotes.

Submissions (2):

Labcorp Genetics (formerly Invitae), Labcorp
Classification: Benign. Last evaluated: 2025-06-16. Review status: criteria provided, single submitter. Criteria: Invitae Variant Classification Sherloc (09022015). Collection method: clinical testing. Allele origin: germline.

PreventionGenetics, part of Exact Sciences
Classification: Likely benign for CHRDL1-related condition. Last evaluated: 2024-12-23. Review status: criteria provided, single submitter. Criteria: ACMG Guidelines, 2015. Collection method: clinical testing. Allele origin: germline.
Comment: This variant is classified as likely benign based on ACMG/AMP sequence variant interpretation guidelines (Richards et al. 2015 PMID: 25741868, with internal and published modifications).

NM_001143981.2(CHRDL1):c.909C>T (p.Cys303=)

Gene: CHRDL1 (chordin like 1; minus strand). Cytogenetic location: Xq23.
Variant type: single nucleotide variant.
Coding change: c.909C>T on transcript NM_001143981.2 (MANE Select); coding-DNA position 909, C replaced by T.
Protein change: p.Cys303=; no amino-acid change (cysteine 303 retained).
Molecular consequence: synonymous variant. On other transcripts: non-coding transcript variant (1).
Genome position (GRCh38, 1-based): chrX:110,688,673, G>A on the plus strand (C>T on the coding strand, the complement: CHRDL1 is on the minus strand). VCF-style: chrX-110688673-G-A. GRCh37 (hg19) VCF-style: chrX-109931901-G-A.
Other names: c.906C>T, p.Cys302= (NM_001143982.2, NM_001367207.1, NM_145234.4); c.669C>T, p.Cys223= (NM_001143983.3); c.909C>T, p.Cys303= (NM_001367204.1, NM_001367205.1, NM_001367206.1 and 2 more transcripts).
Identifiers: ClinVar variation 734280 (VCV000734280.9), dbSNP rs142726669, ClinGen allele CA10492367.